The following is an entry in ClinVar:

ClinVar aggregate classification (germline): Likely benign (1 of 4 stars; one submission).

Conditions:
KMT2D-related disorder. Also called: KMT2D-Related Disorders.

Submission:

PreventionGenetics, part of Exact Sciences
Classification: Likely benign for KMT2D-related condition. Last evaluated: 2025-07-01. Review status: criteria provided, single submitter. Criteria: ACMG Guidelines, 2015. Collection method: clinical testing. Allele origin: germline.
Comment: This variant is classified as likely benign based on ACMG/AMP sequence variant interpretation guidelines (Richards et al. 2015 PMID: 25741868, with internal and published modifications).

NM_003482.4(KMT2D):c.10740+7del

Gene: KMT2D (lysine methyltransferase 2D; minus strand). Cytogenetic location: 12q13.12.
Variant type: Deletion.
Coding change: c.10740+7del on transcript NM_003482.4 (MANE Select); 7 bases into the intron after coding-DNA position 10740, one base deleted (G; older notation c.10740+7delG).
Molecular consequence: intron variant.
Genome position (GRCh38, 1-based): chr12:49,034,060, C deleted on the plus strand (G on the coding strand, the reverse complement: KMT2D is on the minus strand); the first of 5 consecutive C bases (chr12:49,034,060-49,034,064); deleting any one gives the same sequence. VCF-style (leftmost placement, unchanged base first): chr12-49034059-TC-T. GRCh37 (hg19) VCF-style: chr12-49427842-TC-T.
Identifiers: ClinVar variation 4979391 (VCV004979391.1).